The following is an entry in ClinVar:

NM_017654.4(SAMD9):c.2612A>C (p.Glu871Ala)

Gene: SAMD9 (sterile alpha motif domain containing 9; minus strand). Cytogenetic location: 7q21.2.
Variant type: single nucleotide variant.
Coding change: c.2612A>C on transcript NM_017654.4 (MANE Select); coding-DNA position 2612, A replaced by C.
Protein change: p.Glu871Ala; replaces glutamic acid 871 with alanine.
Molecular consequence: missense variant.
Genome position (GRCh38, 1-based): chr7:93,103,486, T>G on the plus strand (A>C on the coding strand, the complement: SAMD9 is on the minus strand). VCF-style: chr7-93103486-T-G. GRCh37 (hg19) VCF-style: chr7-92732799-T-G.
Other names: c.2612A>C, p.Glu871Ala (NM_001193307.2); short protein forms E871A.
Identifiers: ClinVar variation 4802482 (VCV004802482.1).

ClinVar aggregate classification (germline): Uncertain significance (1 of 4 stars; one submission).

Submission:

Labcorp Genetics (formerly Invitae), Labcorp
Classification: Uncertain significance. Last evaluated: 2025-12-17. Review status: criteria provided, single submitter. Criteria: Invitae Variant Classification Sherloc (09022015). Collection method: clinical testing. Allele origin: germline.
Comment: This sequence change replaces glutamic acid, which is acidic and polar, with alanine, which is neutral and non-polar, at codon 871 of the SAMD9 protein (p.Glu871Ala). This variant is not present in population databases (gnomAD no frequency). This variant has not been reported in the literature in individuals affected with SAMD9-related conditions. Invitae Evidence Modeling of protein sequence and biophysical properties (such as structural, functional, and spatial information, amino acid conservation, physicochemical variation, residue mobility, and thermodynamic stability) indicates that this missense variant is not expected to disrupt SAMD9 protein function with a negative predictive value of 95%. In summary, the available evidence is currently insufficient to determine the role of this variant in disease. Therefore, it has been classified as a Variant of Uncertain Significance.